The following is an entry in ClinVar:

NM_001378454.1(ALMS1):c.9410C>G (p.Thr3137Ser)

Gene: ALMS1 (ALMS1 centrosome and basal body associated protein; plus strand). Cytogenetic location: 2p13.1.
Variant type: single nucleotide variant.
Coding change: c.9410C>G on transcript NM_001378454.1 (MANE Select); coding-DNA position 9410, C replaced by G.
Protein change: p.Thr3137Ser; replaces threonine 3137 with serine.
Molecular consequence: missense variant.
Genome position (GRCh38, 1-based): chr2:73,491,369, C>G. VCF-style: chr2-73491369-C-G. GRCh37 (hg19) VCF-style: chr2-73718496-C-G.
Other names: c.9413C>G, p.Thr3138Ser (NM_015120.4); short protein forms T3137S, T3138S.
Identifiers: ClinVar variation 1389878 (VCV001389878.5), dbSNP rs775701628, ClinGen allele CA1714657.

ClinVar aggregate classification (germline): Uncertain significance (1 of 4 stars; one submission).

Conditions:
Alstrom syndrome (ALMS). Identifiers: Orphanet 64, MedGen C0268425, MONDO:0008763, OMIM 203800.

Allele frequency attached by ClinVar (database versions not stated): gnomAD exomes below 0.00001; ExAC 0.00001; TOPMed 0.00002.
gnomAD v4.1: 3 of 1,614,178 alleles (0.00019%); highest among the groups gnomAD compares: African/African-American, 0.0027%; no homozygotes.

Submission:

Labcorp Genetics (formerly Invitae), Labcorp
Classification: Uncertain significance for Alstrom syndrome. Last evaluated: 2024-08-13. Review status: criteria provided, single submitter. Criteria: Invitae Variant Classification Sherloc (09022015). Collection method: clinical testing. Allele origin: germline.
Comment: This sequence change replaces threonine, which is neutral and polar, with serine, which is neutral and polar, at codon 3138 of the ALMS1 protein (p.Thr3138Ser). This variant is not present in population databases (gnomAD no frequency). This variant has not been reported in the literature in individuals affected with ALMS1-related conditions. ClinVar contains an entry for this variant (Variation ID: 1389878). Experimental studies and prediction algorithms are not available or were not evaluated, and the functional significance of this variant is currently unknown. In summary, the available evidence is currently insufficient to determine the role of this variant in disease. Therefore, it has been classified as a Variant of Uncertain Significance.